The following is an entry in ClinVar:

NM_001080467.3(MYO5B):c.1909C>T (p.Arg637Cys)

Gene: MYO5B (myosin VB; minus strand). Cytogenetic location: 18q21.1.
Variant type: single nucleotide variant.
Coding change: c.1909C>T on transcript NM_001080467.3 (MANE Select); coding-DNA position 1909, C replaced by T.
Protein change: p.Arg637Cys; replaces arginine 637 with cysteine.
Molecular consequence: missense variant.
Genome position (GRCh38, 1-based): chr18:49,936,346, G>A on the plus strand (C>T on the coding strand, the complement: MYO5B is on the minus strand). VCF-style: chr18-49936346-G-A. GRCh37 (hg19) VCF-style: chr18-47462716-G-A.
Other names: short protein forms R637C.
Identifiers: ClinVar variation 3010353 (VCV003010353.3), dbSNP rs1465679673, ClinGen allele CA402444838.

ClinVar aggregate classification (germline): Uncertain significance (1 of 4 stars; one submission).

Allele frequency attached by ClinVar (database versions not stated): TOPMed below 0.00001.
gnomAD v4.1: 6 of 1,590,908 alleles (0.00038%); highest among the groups gnomAD compares: Admixed American, 0.0018%; no homozygotes.

Submission:

Labcorp Genetics (formerly Invitae), Labcorp
Classification: Uncertain significance. Last evaluated: 2024-01-12. Review status: criteria provided, single submitter. Criteria: Invitae Variant Classification Sherloc (09022015). Collection method: clinical testing. Allele origin: germline.
Comment: This sequence change replaces arginine, which is basic and polar, with cysteine, which is neutral and slightly polar, at codon 637 of the MYO5B protein (p.Arg637Cys). The frequency data for this variant in the population databases is considered unreliable, as metrics indicate poor data quality at this position in the gnomAD database. This variant has not been reported in the literature in individuals affected with MYO5B-related conditions. Advanced modeling of protein sequence and biophysical properties (such as structural, functional, and spatial information, amino acid conservation, physicochemical variation, residue mobility, and thermodynamic stability) performed at Invitae indicates that this missense variant is expected to disrupt MYO5B protein function with a positive predictive value of 80%. In summary, the available evidence is currently insufficient to determine the role of this variant in disease. Therefore, it has been classified as a Variant of Uncertain Significance.